The following is an entry in ClinVar:

ClinVar aggregate classification (germline): Uncertain significance. Review status: criteria provided, multiple submitters, no conflicts (2 of 4 stars). 2 submissions from 2 submitters: Uncertain significance (2). Last evaluated 2025-08-20.

Conditions:
Hereditary cancer-predisposing syndrome. Also called: Hereditary Cancer Syndrome; Hereditary neoplastic syndrome; Neoplastic Syndromes, Hereditary; Tumor predisposition. Identifiers: Orphanet 140162, MedGen C0027672, MeSH D009386, MONDO:0015356.
Cardiovascular phenotype. Identifiers: MedGen CN230736.

Submissions (2):

Ambry Genetics
Classification: Uncertain significance for Cardiovascular phenotype; Hereditary cancer-predisposing syndrome. Last evaluated: 2025-08-20. Review status: criteria provided, single submitter. Criteria: Ambry Variant Classification Scheme 2023. Collection method: clinical testing. Allele origin: germline.
Comment: The p.L447F variant (also known as c.1339C>T), located in coding exon 12 of the NF1 gene, results from a C to T substitution at nucleotide position 1339. The leucine at codon 447 is replaced by phenylalanine, an amino acid with highly similar properties. This amino acid position is highly conserved in available vertebrate species. In addition, this alteration is predicted to be deleterious by in silico analysis. Based on the available evidence, the clinical significance of this variant remains unclear.

GeneDx
Classification: Uncertain significance. Last evaluated: 2022-07-26. Review status: criteria provided, single submitter. Criteria: GeneDx Variant Classification Process June 2021. Collection method: clinical testing. Allele origin: germline. Affected: yes.
Comment: Not observed at significant frequency in large population cohorts (gnomAD); In silico analysis supports that this missense variant has a deleterious effect on protein structure/function; Has not been previously published as pathogenic or benign to our knowledge

NM_001042492.3(NF1):c.1339C>T (p.Leu447Phe)

Gene: NF1 (neurofibromin 1; plus strand). Cytogenetic location: 17q11.2.
Variant type: single nucleotide variant.
Coding change: c.1339C>T on transcript NM_001042492.3 (MANE Select); coding-DNA position 1339, C replaced by T.
Protein change: p.Leu447Phe; replaces leucine 447 with phenylalanine.
Molecular consequence: missense variant.
Genome position (GRCh38, 1-based): chr17:31,206,318, C>T. VCF-style: chr17-31206318-C-T. GRCh37 (hg19) VCF-style: chr17-29533336-C-T.
Other names: c.1339C>T, p.Leu447Phe (NM_000267.4, NM_001128147.3); short protein forms L447F.
Identifiers: ClinVar variation 2413018 (VCV002413018.4), dbSNP rs2066620866, ClinGen allele CA398999560.